The following is an entry in ClinVar:

ClinVar aggregate classification (germline): Pathogenic/Likely pathogenic. Review status: criteria provided, multiple submitters, no conflicts (2 of 4 stars). 3 submissions from 3 submitters: Pathogenic (1); Likely pathogenic (2). Last evaluated 2022-12-20.

Conditions:
Inborn genetic diseases. Identifiers: MedGen C0950123, MeSH D030342.
Dilated cardiomyopathy 1O (CMD1O). Also called: CARDIOMYOPATHY, DILATED, WITH VENTRICULAR TACHYCARDIA. Identifiers: Orphanet 154, MedGen C1837839, MONDO:0012062, OMIM 608569.

Submissions (3):

GeneDx
Classification: Likely pathogenic. Last evaluated: 2022-12-20. Review status: criteria provided, single submitter. Criteria: GeneDx Variant Classification Process June 2021. Collection method: clinical testing. Allele origin: germline. Affected: yes.
Comment: Not observed in large population cohorts (gnomAD); In silico analysis supports that this missense variant has a deleterious effect on protein structure/function; This variant is associated with the following publications: (PMID: 31828977, 34056838)

Labcorp Genetics (formerly Invitae), Labcorp
Classification: Pathogenic for Dilated cardiomyopathy 1O. Last evaluated: 2022-03-03. Review status: criteria provided, single submitter. Criteria: Invitae Variant Classification Sherloc (09022015). Collection method: clinical testing. Allele origin: germline.
Comment: For these reasons, this variant has been classified as Pathogenic. Algorithms developed to predict the effect of missense changes on protein structure and function are either unavailable or do not agree on the potential impact of this missense change (SIFT: "Deleterious"; PolyPhen-2: "Probably Damaging"; Align-GVGD: "Class C0"). ClinVar contains an entry for this variant (Variation ID: 464667). This missense change has been observed in individual(s) with clinical features of Cantu syndrome (PMID: 31828977; Invitae). In at least one individual the variant was observed to be de novo. This variant is not present in population databases (gnomAD no frequency). This sequence change replaces valine, which is neutral and non-polar, with methionine, which is neutral and non-polar, at codon 1266 of the ABCC9 protein (p.Val1266Met).

Ambry Genetics
Classification: Likely pathogenic for Inborn genetic diseases. Last evaluated: 2015-09-09. Review status: criteria provided, single submitter. Criteria: Ambry exome assertion method (8-5-2015). Collection method: clinical testing. Allele origin: germline. Affected: yes. Observed: 1 variant allele.

Literature cited by the submitters: PubMed 31828977 (cited by Labcorp Genetics (formerly Invitae), Labcorp).

NM_020297.4(ABCC9):c.3796G>A (p.Val1266Met)

Genes: ABCC9 (ATP binding cassette subfamily C member 9; minus strand), KCNJ8-AS1 (KCNJ8 antisense RNA 1; plus strand). Cytogenetic location: 12p12.1.
Variant type: single nucleotide variant.
Coding change: c.3796G>A on transcript NM_020297.4 (MANE Select); coding-DNA position 3796, G replaced by A.
Protein change: p.Val1266Met; replaces valine 1266 with methionine.
Molecular consequence: missense variant.
Genome position (GRCh38, 1-based): chr12:21,817,283, C>T on the plus strand (G>A on the coding strand, the complement: ABCC9 is on the minus strand). VCF-style: chr12-21817283-C-T. GRCh37 (hg19) VCF-style: chr12-21970217-C-T.
Other names: c.3796G>A, p.Val1266Met (NM_001377273.1, NM_005691.4); c.2929G>A, p.Val977Met (NM_001377274.1); short protein forms V1266M, V977M.
Identifiers: ClinVar variation 464667 (VCV000464667.10), dbSNP rs1555179320, ClinGen allele CA384136638.